The following is an entry in ClinVar:

NM_005876.5(SPEG):c.7824G>A (p.Ala2608=)

Genes: ASIC4-AS1 (ASIC4 antisense RNA 1; minus strand), SPEG (striated muscle enriched protein kinase; plus strand). Cytogenetic location: 2q35.
Variant type: single nucleotide variant.
Coding change: c.7824G>A on transcript NM_005876.5 (MANE Select); coding-DNA position 7824, G replaced by A.
Protein change: p.Ala2608=; no amino-acid change (alanine 2608 retained).
Molecular consequence: synonymous variant.
Genome position (GRCh38, 1-based): chr2:219,488,276, G>A. VCF-style: chr2-219488276-G-A. GRCh37 (hg19) VCF-style: chr2-220352998-G-A.
Identifiers: ClinVar variation 1981548 (VCV001981548.6), dbSNP rs372312652, ClinGen allele CA2127300.

ClinVar aggregate classification (germline): Likely benign. Review status: criteria provided, multiple submitters, no conflicts (2 of 4 stars). 2 submissions from 2 submitters: Likely benign (2). Last evaluated 2026-06-01.

Allele frequency attached by ClinVar (database versions not stated): 1000 Genomes Project 30x 0.00016; ESP Exome Variant Server 0.00016; ExAC 0.00017; 1000 Genomes Project 0.00020.
gnomAD v4.1: 144 of 1,613,268 alleles (0.0089%); highest among the groups gnomAD compares: Middle Eastern, 0.083%; 1 homozygote.

Submissions (2):

CeGaT Center for Human Genetics Tuebingen
Classification: Likely benign. Last evaluated: 2026-06-01. Review status: criteria provided, single submitter. Criteria: CeGaT Center For Human Genetics Tuebingen Variant Classification Criteria Version 2. Collection method: clinical testing. Allele origin: germline. Affected: yes. Observed: 1 variant allele.
Comment: SPEG: BP4, BP7

Labcorp Genetics (formerly Invitae), Labcorp
Classification: Likely benign. Last evaluated: 2025-06-12. Review status: criteria provided, single submitter. Criteria: Invitae Variant Classification Sherloc (09022015). Collection method: clinical testing. Allele origin: germline.